The following is an entry in ClinVar:

ClinVar aggregate classification (germline): Uncertain significance (1 of 4 stars; one submission).

Conditions:
Hereditary cancer-predisposing syndrome. Also called: Neoplastic Syndromes, Hereditary; Tumor predisposition; Hereditary Cancer Syndrome; Hereditary neoplastic syndrome. Identifiers: Orphanet 140162, MedGen C0027672, MeSH D009386, MONDO:0015356.

Submission:

Ambry Genetics
Classification: Uncertain significance for Hereditary cancer-predisposing syndrome. Last evaluated: 2025-11-19. Review status: criteria provided, single submitter. Criteria: Ambry Variant Classification Scheme 2023. Collection method: clinical testing. Allele origin: germline.
Comment: The p.D172H variant (also known as c.514G>C), located in coding exon 4 of the CTNNA1 gene, results from a G to C substitution at nucleotide position 514. The aspartic acid at codon 172 is replaced by histidine, an amino acid with similar properties. This amino acid position is conserved. In addition, this alteration is predicted to be deleterious by in silico analysis. Based on the available evidence, the clinical significance of this variant remains unclear.

NM_001903.5(CTNNA1):c.514G>C (p.Asp172His)

Gene: CTNNA1 (catenin alpha 1; plus strand). Cytogenetic location: 5q31.2.
Variant type: single nucleotide variant.
Coding change: c.514G>C on transcript NM_001903.5 (MANE Select); coding-DNA position 514, G replaced by C.
Protein change: p.Asp172His; replaces aspartic acid 172 with histidine.
Molecular consequence: missense variant.
Genome position (GRCh38, 1-based): chr5:138,812,228, G>C. VCF-style: chr5-138812228-G-C. GRCh37 (hg19) VCF-style: chr5-138147917-G-C.
Other names: c.514G>C, p.Asp172His (NM_001290307.3, NM_001323982.2, NM_001323983.1 and 3 more transcripts); c.205G>C, p.Asp69His (NM_001290309.3); c.145G>C, p.Asp49His (NM_001290310.3); short protein forms D172H, D49H, D69H.
Identifiers: ClinVar variation 4635563 (VCV004635563.1).